The following is an entry in ClinVar:

ClinVar aggregate classification (germline): Pathogenic (1 of 4 stars; one submission).

Conditions:
Neuromuscular disease caused by qualitative or quantitative defects of dysferlin. Also called: Qualitative or quantitative defects of dysferlin; Dysferlinopathy. Identifiers: Orphanet 207073, MedGen C2931687, MONDO:0016145.

Submission:

Labcorp Genetics (formerly Invitae), Labcorp
Classification: Pathogenic for Neuromuscular disease caused by qualitative or quantitative defects of dysferlin. Last evaluated: 2025-10-21. Review status: criteria provided, single submitter. Criteria: Invitae Variant Classification Sherloc (09022015). Collection method: clinical testing. Allele origin: germline.
Comment: This sequence change creates a premature translational stop signal (p.Gln1364Profs*18) in the DYSF gene. It is expected to result in an absent or disrupted protein product. Loss-of-function variants in DYSF are known to be pathogenic (PMID: 17698709, 20301480). This variant is not present in population databases (gnomAD no frequency). This variant has not been reported in the literature in individuals affected with DYSF-related conditions. ClinVar contains an entry for this variant (Variation ID: 2970873). For these reasons, this variant has been classified as Pathogenic.

Literature cited by the submitters: PubMed 17698709; PubMed 20301480.

NM_001130987.2(DYSF):c.4142dup (p.Gln1382fs)

Gene: DYSF (dysferlin; plus strand). Cytogenetic location: 2p13.2.
Variant type: Duplication.
Coding change: c.4142dup on transcript NM_001130987.2 (MANE Select); coding-DNA position 4142, one base duplicated (G; older notation c.4142dupG).
Protein change: p.Gln1382fs; shifts the reading frame from glutamine 1382.
Molecular consequence: frameshift variant.
Genome position (GRCh38, 1-based): chr2:71,611,547, G duplicated; the last of 5 consecutive G bases (chr2:71,611,543-71,611,547); duplicating any one gives the same sequence. VCF-style (leftmost placement, unchanged base first): chr2-71611542-T-TG. GRCh37 (hg19) VCF-style: chr2-71838672-T-TG.
Other names: c.4091dup, p.Gln1365fs (NM_001130455.2, NM_001130983.2); c.4046dup, p.Gln1350fs (NM_001130976.2, NM_001130977.2); c.4088dup, p.Gln1364fs (NM_001130978.2, NM_003494.4); c.4181dup, p.Gln1395fs (NM_001130979.2); c.4139dup, p.Gln1381fs (NM_001130980.2, NM_001130981.2); c.4184dup, p.Gln1396fs (NM_001130982.2); c.4049dup, p.Gln1351fs (NM_001130984.2, NM_001130986.2); c.4142dup, p.Gln1382fs (NM_001130985.2); short protein forms Q1365fs, Q1382fs, Q1395fs, Q1396fs, Q1351fs, Q1381fs, Q1350fs, Q1364fs.
Identifiers: ClinVar variation 2970873 (VCV002970873.3), dbSNP rs2546129963, ClinGen allele CA2740095629.